The following is an entry in ClinVar:

ClinVar aggregate classification (germline): Uncertain significance. Review status: criteria provided, multiple submitters, no conflicts (2 of 4 stars). 2 submissions from 2 submitters: Uncertain significance (2). Last evaluated 2022-02-15.

Conditions:
Hyperaldosteronism, familial, type IV (HALD4). Also called: FH IV; ALDOSTERONISM, PRIMARY, AND HYPERTENSION. Identifiers: Orphanet 642671, MedGen C4310756, MONDO:0014875, OMIM 617027.
Epilepsy, childhood absence, susceptibility to, 6. Identifiers: Orphanet 64280, MedGen C2749872, MONDO:0012763, OMIM 611942.
Idiopathic generalized epilepsy. Also called: Generalised epilepsy; EIG. Identifiers: MedGen C0270850, MONDO:0005579, OMIM 600669.

Submissions (2):

Fulgent Genetics
Classification: Uncertain significance for Epilepsy, childhood absence, susceptibility to, 6; Hyperaldosteronism, familial, type IV. Last evaluated: 2022-02-15. Review status: criteria provided, single submitter. Criteria: ACMG Guidelines, 2015. Collection method: clinical testing. Allele origin: unknown.

Labcorp Genetics (formerly Invitae), Labcorp
Classification: Uncertain significance for Idiopathic generalized epilepsy; Hyperaldosteronism, familial, type IV. Last evaluated: 2019-06-06. Review status: criteria provided, single submitter. Criteria: Invitae Variant Classification Sherloc (09022015). Collection method: clinical testing. Allele origin: germline.
Comment: This sequence change replaces valine with isoleucine at codon 152 of the CACNA1H protein (p.Val152Ile). The valine residue is moderately conserved and there is a small physicochemical difference between valine and isoleucine. This variant is not present in population databases (ExAC no frequency). In summary, the available evidence is currently insufficient to determine the role of this variant in disease. Therefore, it has been classified as a Variant of Uncertain Significance. Algorithms developed to predict the effect of missense changes on protein structure and function output the following: SIFT: "Tolerated"; PolyPhen-2: "Benign"; Align-GVGD: "Class C0". The isoleucine amino acid residue is found in multiple mammalian species, suggesting that this missense change does not adversely affect protein function. These predictions have not been confirmed by published functional studies and their clinical significance is uncertain. This variant has not been reported in the literature in individuals with CACNA1H-related conditions.

NM_021098.3(CACNA1H):c.454G>A (p.Val152Ile)

Gene: CACNA1H (calcium voltage-gated channel subunit alpha1 H; plus strand). Cytogenetic location: 16p13.3.
Variant type: single nucleotide variant.
Coding change: c.454G>A on transcript NM_021098.3 (MANE Select); coding-DNA position 454, G replaced by A.
Protein change: p.Val152Ile; replaces valine 152 with isoleucine.
Molecular consequence: missense variant.
Genome position (GRCh38, 1-based): chr16:1,195,474, G>A. VCF-style: chr16-1195474-G-A. GRCh37 (hg19) VCF-style: chr16-1245474-G-A.
Other names: c.454G>A, p.Val152Ile (NM_001005407.2); short protein forms V152I.
Identifiers: ClinVar variation 947091 (VCV000947091.10), dbSNP rs1966873640, ClinGen allele CA394152657.
Genomic context (GRCh38, chr16:1,195,474, plus strand): 5'-TGATGCCTCCTCCCGCAGGCCTTTGACGCCTTCATTTTCGCCTTTTTTGCGGTGGAGATG[G>A]TCATCAAGATGGTGGCCTTGGGGCTGTTCGGGCAGAAGTGTTACCTGGGTGACACGTGGA-3'
Protein context (NP_066921.2, residues 142-162): FIFAFFAVEM[Val152Ile]IKMVALGLFG